The following is an entry in ClinVar:

NM_000350.3(ABCA4):c.5065T>C (p.Ser1689Pro)

Gene: ABCA4 (ATP binding cassette subfamily A member 4; minus strand). Cytogenetic location: 1p22.1.
Variant type: single nucleotide variant.
Coding change: c.5065T>C on transcript NM_000350.3 (MANE Select); coding-DNA position 5065, T replaced by C.
Protein change: p.Ser1689Pro; replaces serine 1689 with proline.
Molecular consequence: missense variant.
Genome position (GRCh38, 1-based): chr1:94,019,713, A>G on the plus strand (T>C on the coding strand, the complement: ABCA4 is on the minus strand). VCF-style: chr1-94019713-A-G. GRCh37 (hg19) VCF-style: chr1-94485269-A-G.
Other names: c.4843T>C, p.Ser1615Pro (NM_001425324.1); short protein forms S1689P, S1615P.
Identifiers: ClinVar variation 99342 (VCV000099342.12), dbSNP rs61753020, ClinGen allele CA227270.

ClinVar aggregate classification (germline): Pathogenic/Likely pathogenic. Review status: criteria provided, multiple submitters, no conflicts (2 of 4 stars). 6 submissions from 5 submitters: Pathogenic (1); Likely pathogenic (4). 1 of the submissions does not count toward it. Last evaluated 2026-02-26.

Conditions:
ABCA4-related disorder. Also called: ABCA4-related condition; ABCA4-related disorders. Identifiers: MedGen CN239167.
Retinal dystrophy. Also called: Inherited retinal dystrophy. Identifiers: Orphanet 71862, MedGen C0854723, MeSH D058499, MONDO:0019118, HP:0000556.
Retinitis pigmentosa (RP). Identifiers: Orphanet 791, MedGen C0035334, MeSH D012174, MONDO:0019200, OMIM 268000. Inheritance: Autosomal dominant, autosomal recessive and X linked inheritance.
Severe early-childhood-onset retinal dystrophy (STGD1). Also called: MACULAR DYSTROPHY WITH FLECKS, TYPE 1; STGD; Stargardt disease 1; Stargardt macular dystrophy; Juvenile onset macular degeneration. Identifiers: Orphanet 364055, Orphanet 827, MedGen C1855465, MeSH D000080362, MONDO:0009549, OMIM 248200.

Allele frequency attached by ClinVar (database versions not stated): gnomAD exomes below 0.00001; ESP Exome Variant Server 0.00008; ExAC 0.00001.
gnomAD v4.1: 7 of 1,613,756 alleles (0.00043%); highest among the groups gnomAD compares: Non-Finnish European, 0.00059%; no homozygotes.

Submissions (6):

Women's Health and Genetics/Laboratory Corporation of America, LabCorp
Classification: Likely pathogenic for Retinitis pigmentosa. Last evaluated: 2026-02-26. Review status: criteria provided, single submitter. Criteria: LabCorp Variant Classification Summary - May 2015. Collection method: clinical testing. Allele origin: germline.
Comment: Variant summary: ABCA4 c.5065T>C (p.Ser1689Pro) results in a non-conservative amino acid change in the encoded protein sequence. Algorithms developed to predict the effect of missense changes on protein structure and function are either unavailable or do not agree on the potential impact of this missense change. The variant allele was found at a frequency of 4e-06 in 250188 control chromosomes. c.5065T>C has been observed in individuals affected with Stargardt disease or Macular degeneration (Rivera_2000, Stone_2017, Schulz_2017, Kiel_2024, Internal data). These data indicate that the variant is likely to be associated with disease. To our knowledge, no experimental evidence demonstrating an impact on protein function has been reported. The following publications have been ascertained in the context of this evaluation (PMID: 28118664, 39462066, 10958763, 28559085). ClinVar contains an entry for this variant (Variation ID: 99342). Based on the evidence outlined above, the variant was classified as likely pathogenic.

Labcorp Genetics (formerly Invitae), Labcorp
Classification: Pathogenic. Last evaluated: 2024-01-22. Review status: criteria provided, single submitter. Criteria: Invitae Variant Classification Sherloc (09022015). Collection method: clinical testing. Allele origin: germline.
Comment: This sequence change replaces serine, which is neutral and polar, with proline, which is neutral and non-polar, at codon 1689 of the ABCA4 protein (p.Ser1689Pro). The frequency data for this variant in the population databases is considered unreliable, as metrics indicate poor data quality at this position in the gnomAD database. This missense change has been observed in individual(s) with Stargardt disease (PMID: 10958763, 28559085; Invitae). In at least one individual the data is consistent with being in trans (on the opposite chromosome) from a pathogenic variant. ClinVar contains an entry for this variant (Variation ID: 99342). Advanced modeling of protein sequence and biophysical properties (such as structural, functional, and spatial information, amino acid conservation, physicochemical variation, residue mobility, and thermodynamic stability) performed at Invitae indicates that this missense variant is expected to disrupt ABCA4 protein function with a positive predictive value of 95%. For these reasons, this variant has been classified as Pathogenic.

Institute of Human Genetics, Univ. Regensburg, Univ. Regensburg
Classification: Likely pathogenic for Retinal dystrophy. Last evaluated: 2022-01-01. Review status: criteria provided, single submitter. Criteria: ACMG Guidelines, 2015. Collection method: clinical testing. Allele origin: germline. Affected: yes.

Blueprint Genetics
Classification: Likely pathogenic for ABCA4-related disorders. Last evaluated: 2021-05-11. Review status: criteria provided, single submitter. Criteria: ACMG Guidelines, 2015. Collection method: clinical testing. Allele origin: germline. Affected: yes. Observed: 1 variant allele.

Institute of Human Genetics, Univ. Regensburg, Univ. Regensburg
Classification: Likely pathogenic for Severe early-childhood-onset retinal dystrophy. Last evaluated: 2016-01-01. Review status: criteria provided, single submitter. Criteria: Schulz et al. (Invest Ophthalmol Vis Sci. 2017). Collection method: clinical testing. Allele origin: germline. Affected: yes. Observed: 1 heterozygote.

Retina International
No classification provided. Review status: no classification provided. Collection method: not provided. Allele origin: not provided. Not counted in ClinVar's aggregate classification.

Literature cited by the submitters: PubMed 28559085 (cited by 3 submitters); PubMed 10958763 (cited by 3 submitters); PubMed 28118664 (cited by Women's Health and Genetics/Laboratory Corporation of America, LabCorp); PubMed 39462066 (cited by Women's Health and Genetics/Laboratory Corporation of America, LabCorp); PubMed 32307445 (cited by Institute of Human Genetics, Univ. Regensburg, Univ. Regensburg); PubMed 36460718 (cited by Institute of Human Genetics, Univ. Regensburg, Univ. Regensburg).